The following is an entry in ClinVar:

NM_001122659.3(EDNRB):c.1079T>A (p.Leu360His)

Genes: EDNRB (endothelin receptor type B; minus strand), EDNRB-AS1 (EDNRB antisense RNA 1; plus strand). Cytogenetic location: 13q22.3.
Variant type: single nucleotide variant.
Coding change: c.1079T>A on transcript NM_001122659.3 (MANE Select); coding-DNA position 1079, T replaced by A.
Protein change: p.Leu360His; replaces leucine 360 with histidine.
Molecular consequence: missense variant.
Genome position (GRCh38, 1-based): chr13:77,900,527, A>T on the plus strand (T>A on the coding strand, the complement: EDNRB is on the minus strand). VCF-style: chr13-77900527-A-T. GRCh37 (hg19) VCF-style: chr13-78474662-A-T.
Other names: c.1079T>A, p.Leu360His (NM_000115.5, NM_003991.4); c.1349T>A, p.Leu450His (NM_001201397.2); short protein forms L360H, L450H.
Identifiers: ClinVar variation 2575785 (VCV002575785.1), dbSNP rs1295402804, ClinGen allele CA388451398.

ClinVar aggregate classification (germline): Uncertain significance (1 of 4 stars; one submission).

Allele frequency attached by ClinVar (database versions not stated): gnomAD 0.00001.
gnomAD v4.1: 11 of 1,612,284 alleles (0.00068%); highest among the groups gnomAD compares: Non-Finnish European, 0.00093%; no homozygotes.

Submission:

GeneDx
Classification: Uncertain significance. Last evaluated: 2023-02-13. Review status: criteria provided, single submitter. Criteria: GeneDx Variant Classification Process June 2021. Collection method: clinical testing. Allele origin: germline. Affected: yes.
Comment: Not observed at significant frequency in large population cohorts (gnomAD); In silico analysis supports that this missense variant has a deleterious effect on protein structure/function; Has not been previously published as pathogenic or benign to our knowledge